The following is an entry in ClinVar:

ClinVar aggregate classification (germline): Conflicting classifications of pathogenicity. Review status: criteria provided, conflicting classifications (1 of 4 stars). 3 submissions from 3 submitters: Uncertain significance (1); Likely benign (2). Last evaluated 2026-08-03.

Conditions:
PKD1L1-related disorder. Also called: PKD1L1-related condition.
Inborn genetic diseases. Identifiers: MedGen C0950123, MeSH D030342.

Allele frequency attached by ClinVar (database versions not stated): gnomAD exomes 0.00005; gnomAD 0.00007; TOPMed 0.00007; ExAC 0.00014; 1000 Genomes Project 0.00020; 1000 Genomes Project 30x 0.00031.
gnomAD v4.1: 87 of 1,613,474 alleles (0.0054%); highest among the groups gnomAD compares: East Asian, 0.18%; no homozygotes.

Submissions (3):

PreventionGenetics, part of Exact Sciences
Classification: Likely benign for PKD1L1-related condition. Last evaluated: 2026-08-03. Review status: criteria provided, single submitter. Criteria: ACMG Guidelines, 2015. Collection method: clinical testing. Allele origin: germline.
Comment: This variant is classified as likely benign based on ACMG/AMP sequence variant interpretation guidelines (Richards et al. 2015 PMID: 25741868, with internal and published modifications).

Labcorp Genetics (formerly Invitae), Labcorp
Classification: Likely benign. Last evaluated: 2024-09-01. Review status: criteria provided, single submitter. Criteria: Invitae Variant Classification Sherloc (09022015). Collection method: clinical testing. Allele origin: germline.

Ambry Genetics
Classification: Uncertain significance for Inborn genetic diseases. Last evaluated: 2023-10-02. Review status: criteria provided, single submitter. Criteria: Ambry Variant Classification Scheme 2023. Collection method: clinical testing. Allele origin: germline.

NM_138295.5(PKD1L1):c.7162C>G (p.His2388Asp)

Genes: PKD1L1 (polycystin 1 like 1, transient receptor potential channel interacting; minus strand), PKD1L1-AS1 (PKD1L1 antisense RNA 1; plus strand). Cytogenetic location: 7p12.3.
Variant type: single nucleotide variant.
Coding change: c.7162C>G on transcript NM_138295.5 (MANE Select); coding-DNA position 7162, C replaced by G.
Protein change: p.His2388Asp; replaces histidine 2388 with aspartic acid.
Molecular consequence: missense variant.
Genome position (GRCh38, 1-based): chr7:47,813,942, G>C on the plus strand (C>G on the coding strand, the complement: PKD1L1 is on the minus strand). VCF-style: chr7-47813942-G-C. GRCh37 (hg19) VCF-style: chr7-47853540-G-C.
Other names: c.7162C>G (NM_138295.3); short protein forms H2388D.
Identifiers: ClinVar variation 2825927 (VCV002825927.5), dbSNP rs189308323, ClinGen allele CA4252112.
Genomic context (GRCh38, chr7:47,813,942, plus strand): 5'-TCTCTAATTCCATTTATTCTTGGAAGCAAAAGGAAAAGGAACATCTTACCTTGCATAAAT[G>C]CCTAGGAAAAACTTTTAGCTGCCTAATTACGGAACTGCCTATTAGGTAGCATTTTCCTCC-3'
Protein context (NP_612152.1, residues 2378-2398): VIRQLKVFPR[His2388Asp]LCKPPRPFSA